The following is an entry in ClinVar:

NM_025137.4(SPG11):c.3146-5T>A

Gene: SPG11 (SPG11 vesicle trafficking associated, spatacsin; minus strand). Cytogenetic location: 15q21.1.
Variant type: single nucleotide variant.
Coding change: c.3146-5T>A on transcript NM_025137.4 (MANE Select); 5 bases into the intron before coding-DNA position 3146, T replaced by A.
Molecular consequence: intron variant.
Genome position (GRCh38, 1-based): chr15:44,610,990, A>T on the plus strand (T>A on the coding strand, the complement: SPG11 is on the minus strand). VCF-style: chr15-44610990-A-T. GRCh37 (hg19) VCF-style: chr15-44903188-A-T.
Other names: c.3146-5T>A (NM_001160227.2).
Identifiers: ClinVar variation 1910610 (VCV001910610.5), dbSNP rs2505483175, ClinGen allele CA2580089460.

ClinVar aggregate classification (germline): Uncertain significance (1 of 4 stars; one submission).

Conditions:
Hereditary spastic paraplegia 11. Also called: Spastic paraplegia, mental retardation and thin corpus callosum; Nakamura Osame syndrome; Autosomal recessive hereditary spastic paraplegia, mental impairment, and thin corpus callosum; SPASTIC PARAPLEGIA, AUTOSOMAL RECESSIVE, COMPLICATED, WITH THIN CORPUS CALLOSUM; SPASTIC PARAPLEGIA, AUTOSOMAL RECESSIVE, WITH MENTAL IMPAIRMENT AND THIN CORPUS CALLOSUM; Spastic Paraplegia 11. Identifiers: Orphanet 2822, MedGen C1858479, MONDO:0011445, OMIM 604360.

Submission:

Labcorp Genetics (formerly Invitae), Labcorp
Classification: Uncertain significance for Hereditary spastic paraplegia 11. Last evaluated: 2022-03-09. Review status: criteria provided, single submitter. Criteria: Invitae Variant Classification Sherloc (09022015). Collection method: clinical testing. Allele origin: germline.
Comment: This variant is not present in population databases (gnomAD no frequency). This sequence change falls in intron 17 of the SPG11 gene. It does not directly change the encoded amino acid sequence of the SPG11 protein. This variant has not been reported in the literature in individuals affected with SPG11-related conditions. Algorithms developed to predict the effect of sequence changes on RNA splicing suggest that this variant may disrupt the consensus splice site. In summary, the available evidence is currently insufficient to determine the role of this variant in disease. Therefore, it has been classified as a Variant of Uncertain Significance.